The following is an entry in ClinVar:

NM_002529.4(NTRK1):c.1220C>T (p.Pro407Leu)

Gene: NTRK1 (neurotrophic receptor tyrosine kinase 1; plus strand). Cytogenetic location: 1q23.1.
Variant type: single nucleotide variant.
Coding change: c.1220C>T on transcript NM_002529.4 (MANE Select); coding-DNA position 1220, C replaced by T.
Protein change: p.Pro407Leu; replaces proline 407 with leucine.
Molecular consequence: missense variant.
Genome position (GRCh38, 1-based): chr1:156,874,595, C>T. VCF-style: chr1-156874595-C-T. GRCh37 (hg19) VCF-style: chr1-156844387-C-T.
Other names: c.1220C>T (NM_002529.3); c.1112C>T, p.Pro371Leu (NM_001007792.1); c.1202C>T, p.Pro401Leu (NM_001012331.2); short protein forms P401L, P371L, P407L.
Identifiers: ClinVar variation 639576 (VCV000639576.10), dbSNP rs750799657, ClinGen allele CA1169248.

ClinVar aggregate classification (germline): Uncertain significance. Review status: criteria provided, multiple submitters, no conflicts (2 of 4 stars). 5 submissions from 5 submitters: Uncertain significance (4). 1 of the submissions does not count toward it. Last evaluated 2026-09-09.

Conditions:
Inborn genetic diseases. Identifiers: MedGen C0950123, MeSH D030342.
Hereditary insensitivity to pain with anhidrosis (CIPA). Also called: INSENSITIVITY TO PAIN, CONGENITAL, WITH ANHIDROSIS; HSAN Type IV; FAMILIAL DYSAUTONOMIA, TYPE II; NTRK1 Congenital Insensitivity to Pain with Anhidrosis; NEUROPATHY, CONGENITAL SENSORY, WITH ANHIDROSIS; hereditary sensory and autonomic neuropathy type 4. Identifiers: Orphanet 642, MedGen C0020074, MONDO:0009746, OMIM 256800.
NTRK1-related disorder. Also called: NTRK1-related condition.

Allele frequency attached by ClinVar (database versions not stated): gnomAD 0.00001; gnomAD exomes 0.00001 and 0.00003; ExAC 0.00003; TOPMed 0.00005.
gnomAD v4.1: 18 of 1,613,906 alleles (0.0011%); highest among the groups gnomAD compares: Middle Eastern, 0.016%; no homozygotes.

Submissions (5):

PreventionGenetics, part of Exact Sciences
Classification: Uncertain significance for NTRK1-related condition. Last evaluated: 2026-09-09. Review status: criteria provided, single submitter. Criteria: ACMG Guidelines, 2015. Collection method: clinical testing. Allele origin: germline.
Comment: The NTRK1 c.1220C>T variant is predicted to result in the amino acid substitution p.Pro407Leu. To our knowledge, this variant has not been reported in the literature in individuals with NTRK1-related disorders. This variant is reported in 0.022% of alleles in individuals of East Asian descent in gnomAD. At this time, the clinical significance of this variant is uncertain due to the absence of conclusive functional and genetic evidence.

Ambry Genetics
Classification: Uncertain significance for Inborn genetic diseases. Last evaluated: 2025-03-14. Review status: criteria provided, single submitter. Criteria: Ambry Variant Classification Scheme 2023. Collection method: clinical testing. Allele origin: germline.

Genome-Nilou Lab
Classification: Uncertain significance for Hereditary insensitivity to pain with anhidrosis. Last evaluated: 2023-04-11. Review status: criteria provided, single submitter. Criteria: ACMG Guidelines, 2015. Collection method: clinical testing. Allele origin: germline. Affected: no.

Labcorp Genetics (formerly Invitae), Labcorp
Classification: Uncertain significance for Hereditary insensitivity to pain with anhidrosis. Last evaluated: 2022-08-19. Review status: criteria provided, single submitter. Criteria: Invitae Variant Classification Sherloc (09022015). Collection method: clinical testing. Allele origin: germline.
Comment: This sequence change replaces proline, which is neutral and non-polar, with leucine, which is neutral and non-polar, at codon 401 of the NTRK1 protein (p.Pro401Leu). This variant is present in population databases (rs750799657, gnomAD 0.02%). This variant has not been reported in the literature in individuals affected with NTRK1-related conditions. ClinVar contains an entry for this variant (Variation ID: 639576). Advanced modeling of protein sequence and biophysical properties (such as structural, functional, and spatial information, amino acid conservation, physicochemical variation, residue mobility, and thermodynamic stability) performed at Invitae indicates that this missense variant is not expected to disrupt NTRK1 protein function. In summary, the available evidence is currently insufficient to determine the role of this variant in disease. Therefore, it has been classified as a Variant of Uncertain Significance.

Natera, Inc.
Classification: Uncertain significance for Hereditary insensitivity to pain with anhidrosis. Last evaluated: 2020-02-21. Review status: no assertion criteria provided. Collection method: clinical testing. Allele origin: germline. Not counted in ClinVar's aggregate classification.